The following is an entry in ClinVar:

ClinVar aggregate classification (germline): Likely benign (1 of 4 stars; one submission).

gnomAD v4.1: 3 of 1,613,968 alleles (0.00019%); highest among the groups gnomAD compares: Non-Finnish European, 0.00025%; no homozygotes.

Submission:

Mayo Clinic Laboratories, Mayo Clinic
Classification: Likely benign. Last evaluated: 2025-03-11. Review status: criteria provided, single submitter. Criteria: ACMG Guidelines, 2015. Collection method: clinical testing. Allele origin: germline. Observed: 1 variant allele.
Comment: BP4, BP7

NM_024996.7(GFM1):c.1257A>G (p.Ala419=)

Gene: GFM1 (G elongation factor mitochondrial 1; plus strand). Cytogenetic location: 3q25.32.
Variant type: single nucleotide variant.
Coding change: c.1257A>G on transcript NM_024996.7 (MANE Select); coding-DNA position 1257, A replaced by G.
Protein change: p.Ala419=; no amino-acid change (alanine 419 retained).
Molecular consequence: synonymous variant. On other transcripts: non-coding transcript variant (4).
Genome position (GRCh38, 1-based): chr3:158,660,909, A>G. VCF-style: chr3-158660909-A-G. GRCh37 (hg19) VCF-style: chr3-158378698-A-G.
Other names: p.Ala419=; c.1314A>G, p.Ala438= (NM_001308164.2); c.1257A>G, p.Ala419= (NM_001308166.2); c.1176A>G, p.Ala392= (NM_001374355.1); c.1140A>G, p.Ala380= (NM_001374356.1); c.1032A>G, p.Ala344= (NM_001374357.1); c.798A>G, p.Ala266= (NM_001374358.1); c.690A>G, p.Ala230= (NM_001374359.1, NM_001374360.1); and 1 more.
Identifiers: ClinVar variation 4684735 (VCV004684735.1).